The following is an entry in ClinVar:

ClinVar aggregate classification (germline): Pathogenic (1 of 4 stars; one submission).

Conditions:
Breast-ovarian cancer, familial, susceptibility to, 1 (BROVCA1). Also called: BRCA1 Hereditary Breast and Ovarian Cancer; OVARIAN CANCER, SUSCEPTIBILITY TO. Identifiers: Orphanet 145, MedGen C2676676, MONDO:0011450, OMIM 604370. Disease mechanism: loss of function.

Submission:

Myriad Genetics, Inc.
Classification: Pathogenic for Breast-ovarian cancer, familial, susceptibility to, 1. Last evaluated: 2025-03-28. Review status: criteria provided, single submitter. Criteria: Myriad Autosomal Dominant, Autosomal Recessive and X-Linked Classification Criteria (2023). Collection method: clinical testing. Allele origin: unknown.
Comment: This variant is considered pathogenic. This variant creates a termination codon and is predicted to result in premature protein truncation.

NM_007294.4(BRCA1):c.1954A>T (p.Lys652Ter)

Gene: BRCA1 (BRCA1 DNA repair associated; minus strand). Cytogenetic location: 17q21.31.
Variant type: single nucleotide variant.
Coding change: c.1954A>T on transcript NM_007294.4 (MANE Select); coding-DNA position 1954, A replaced by T.
Protein change: p.Lys652Ter; replaces lysine 652 with a stop codon.
Molecular consequence: nonsense. On other transcripts: intron variant (137).
Genome position (GRCh38, 1-based): chr17:43,093,577, T>A on the plus strand (A>T on the coding strand, the complement: BRCA1 is on the minus strand). VCF-style: chr17-43093577-T-A. GRCh37 (hg19) VCF-style: chr17-41245594-T-A.
Other names: c.1741A>T, p.Lys581Ter (NM_001407571.1, NM_001407898.1, NM_001407899.1 and 9 more transcripts); c.1954A>T, p.Lys652Ter (NM_001407581.1, NM_001407582.1, NM_001407583.1 and 30 more transcripts); c.1951A>T, p.Lys651Ter (NM_001407587.1, NM_001407590.1, NM_001407591.1 and 22 more transcripts); c.1945A>T, p.Lys649Ter (NM_001407647.1, NM_001407646.1); c.1831A>T, p.Lys611Ter (NM_001407648.1, NM_001407668.1, NM_001407669.1 and 19 more transcripts); c.1828A>T, p.Lys610Ter (NM_001407649.1, NM_001407670.1, NM_001407671.1 and 11 more transcripts); c.1876A>T, p.Lys626Ter (NM_001407653.1, NM_001407654.1, NM_001407655.1 and 4 more transcripts); c.1813A>T, p.Lys605Ter (NM_001407692.1, NM_001407694.1, NM_001407695.1 and 29 more transcripts); and 40 more; short protein forms K356*, K484*, K524*, K525*, K540*, K541*, K563*, K564*.
Identifiers: ClinVar variation 3903711 (VCV003903711.1).
Genomic context (GRCh38, chr17:43,093,577, plus strand): 5'-TACCTTCCATGAGTTGTAGGTTTCTGCTGTGCCTGACTGGCATTTGGTTGTACTTTTTTT[T>A]CTTTATCTCTTCACTGCTAGAACAACTATCAATTTGCAATTCAGTACAATTAGGTGGGCT-3'